The following is an entry in ClinVar:

NM_054027.6(ANKH):c.*3627G>A

Genes: ANKH (ANKH inorganic pyrophosphate transport regulator; minus strand), OTULIN (OTU deubiquitinase with linear linkage specificity; plus strand). Cytogenetic location: 5p15.2.
Variant type: single nucleotide variant.
Coding change: c.*3627G>A on transcript NM_054027.6 (MANE Select); 3627 bases downstream of the stop codon, G replaced by A.
Molecular consequence: 3 prime UTR variant.
Genome position (GRCh38, 1-based): chr5:14,707,570, C>T on the plus strand (G>A on the coding strand, the complement: ANKH is on the minus strand). VCF-style: chr5-14707570-C-T. GRCh37 (hg19) VCF-style: chr5-14707679-C-T.
Identifiers: ClinVar variation 351432 (VCV000351432.5), dbSNP rs149815187, ClinGen allele CA10623019.
Genomic context (GRCh38, chr5:14,707,570, plus strand): 5'-CAACCAGGAGAGAGATCCAGAGGGCTGGGAGTGAGCACTCCTGAGCTGGCCCCGCTGCGA[C>T]GCATCCTGGCGTCTGGAGAACTCAGCCCAACTCTGTCACTACCCTGGGAGCTCCCAGGCC-3'

ClinVar aggregate classification (germline): Benign. Review status: criteria provided, single submitter (1 of 4 stars). 2 submissions from 1 submitter: Benign (2). Last evaluated 2018-01-13.

Conditions:
Chondrocalcinosis 2. Also called: CALCIUM GOUT; CALCIUM PYROPHOSPHATE ARTHROPATHY; Familial calcium pyrophosphate deposition. Identifiers: Orphanet 1416, MedGen C0856830, MONDO:0007319, OMIM 118600.
Craniometaphyseal dysplasia, autosomal dominant (CMDD). Identifiers: Orphanet 1522, MedGen C1852502, MONDO:0007397, OMIM 123000.

Allele frequency attached by ClinVar (database versions not stated): gnomAD 0.00066 and 0.00068; TOPMed 0.00077; 1000 Genomes Project 0.00080; 1000 Genomes Project 30x 0.00125.

Submissions (2):

Illumina Laboratory Services, Illumina
Classification: Benign for Chondrocalcinosis 2. Last evaluated: 2018-01-13. Review status: criteria provided, single submitter. Criteria: ICSL Variant Classification Criteria 13 December 2019. Collection method: clinical testing. Allele origin: germline.
Comment: This variant was observed in the ICSL laboratory as part of a predisposition screen in an ostensibly healthy population. It had not been previously curated by ICSL or reported in the Human Gene Mutation Database (HGMD: prior to June 1st, 2018), and was therefore a candidate for classification through an automated scoring system. Utilizing variant allele frequency, disease prevalence and penetrance estimates, and inheritance mode, an automated score was calculated to assess if this variant is too frequent to cause the disease. Based on the score and internal cut-off values, a variant classified as benign is not then subjected to further curation. The score for this variant resulted in a classification of benign for this disease.

Illumina Laboratory Services, Illumina
Classification: Benign for Craniometaphyseal dysplasia, autosomal dominant. Last evaluated: 2018-01-13. Review status: criteria provided, single submitter. Criteria: ICSL Variant Classification Criteria 13 December 2019. Collection method: clinical testing. Allele origin: germline.
Comment: the same text as in the submission from Illumina Laboratory Services, Illumina above.